The following is an entry in ClinVar:

ClinVar aggregate classification (germline): Uncertain significance (1 of 4 stars; one submission).

gnomAD v4.1: 11 of 1,614,254 alleles (0.00068%); highest among the groups gnomAD compares: Non-Finnish European, 0.00093%; no homozygotes.

Submission:

Women's Health and Genetics/Laboratory Corporation of America, LabCorp
Classification: Uncertain significance. Last evaluated: 2025-10-27. Review status: criteria provided, single submitter. Criteria: LabCorp Variant Classification Summary - May 2015. Collection method: clinical testing. Allele origin: germline.
Comment: Variant summary: DYNC1H1 c.5207A>T (p.Asn1736Ile) results in a non-conservative amino acid change in the encoded protein sequence. Algorithms developed to predict the effect of missense changes on protein structure and function are either unavailable or do not agree on the potential impact of this missense change. The variant was absent in 251438 control chromosomes. The available data on variant occurrences in the general population are insufficient to allow any conclusion about variant significance. To our knowledge, no occurrence of c.5207A>T in individuals affected with DYNC1H1-related conditions and no experimental evidence demonstrating its impact on protein function have been reported. No submitters have cited clinical-significance assessments for this variant to ClinVar. Based on the evidence outlined above, the variant was classified as uncertain significance.

NM_001376.5(DYNC1H1):c.5207A>T (p.Asn1736Ile)

Gene: DYNC1H1 (dynein cytoplasmic 1 heavy chain 1; plus strand). Cytogenetic location: 14q32.31.
Variant type: single nucleotide variant.
Coding change: c.5207A>T on transcript NM_001376.5 (MANE Select); coding-DNA position 5207, A replaced by T.
Protein change: p.Asn1736Ile; replaces asparagine 1736 with isoleucine.
Molecular consequence: missense variant.
Genome position (GRCh38, 1-based): chr14:102,004,919, A>T. VCF-style: chr14-102004919-A-T. GRCh37 (hg19) VCF-style: chr14-102471256-A-T.
Other names: short protein forms N1736I.
Identifiers: ClinVar variation 4687714 (VCV004687714.1).